The following is an entry in ClinVar:

ClinVar aggregate classification (germline): Uncertain significance (1 of 4 stars; one submission).

Submission:

Ambry Genetics
Classification: Uncertain significance. Last evaluated: 2024-05-23. Review status: criteria provided, single submitter. Criteria: Ambry Variant Classification Scheme 2023. Collection method: clinical testing. Allele origin: germline.
Comment: The p.S659L variant (also known as c.1976C>T), located in coding exon 13 of the NPAT gene, results from a C to T substitution at nucleotide position 1976. The serine at codon 659 is replaced by leucine, an amino acid with dissimilar properties. This amino acid position is conserved. In addition, this alteration is predicted to be tolerated by in silico analysis. Since supporting evidence is limited at this time, the clinical significance of this alteration remains unclear.

NM_002519.3(NPAT):c.1976C>T (p.Ser659Leu)

Gene: NPAT (nuclear protein, coactivator of histone transcription; minus strand). Cytogenetic location: 11q22.3.
Variant type: single nucleotide variant.
Coding change: c.1976C>T on transcript NM_002519.3 (MANE Select); coding-DNA position 1976, C replaced by T.
Protein change: p.Ser659Leu; replaces serine 659 with leucine.
Molecular consequence: missense variant.
Genome position (GRCh38, 1-based): chr11:108,173,008, G>A on the plus strand (C>T on the coding strand, the complement: NPAT is on the minus strand). VCF-style: chr11-108173008-G-A. GRCh37 (hg19) VCF-style: chr11-108043735-G-A.
Other names: c.1976C>T, p.Ser659Leu (NM_001321307.1); short protein forms S659L.
Identifiers: ClinVar variation 1783714 (VCV001783714.3), dbSNP rs2496719208, ClinGen allele CA382513945.